The following is an entry in ClinVar:

NM_000059.4(BRCA2):c.1910-2A>T

Gene: BRCA2 (BRCA2 DNA repair associated; plus strand). Cytogenetic location: 13q13.1.
Variant type: single nucleotide variant.
Coding change: c.1910-2A>T on transcript NM_000059.4 (MANE Select); the canonical splice acceptor site of the intron before coding-DNA position 1910, A replaced by T.
Molecular consequence: splice acceptor variant. On other transcripts: intron variant (2).
Genome position (GRCh38, 1-based): chr13:32,336,263, A>T. VCF-style: chr13-32336263-A-T. GRCh37 (hg19) VCF-style: chr13-32910400-A-T.
Other names: c.1910-2A>T (NM_001406720.1, NM_001406719.1); c.1909+2876A>T (NM_001406721.1); c.424+5233A>T (NM_001406722.1).
Identifiers: ClinVar variation 487404 (VCV000487404.13), dbSNP rs1228762581, ClinGen allele CA387768195.

ClinVar aggregate classification (germline): Pathogenic. Review status: criteria provided, single submitter (1 of 4 stars). 2 submissions from 2 submitters: Pathogenic (1). 1 of the submissions does not count toward it. Last evaluated 2025-04-07.

Conditions:
Hereditary breast ovarian cancer syndrome. Also called: Hereditary breast and ovarian cancer; Hereditary breast and ovarian cancer syndrome (HBOC); BRCA1- and BRCA2-Associated Hereditary Breast and Ovarian Cancer; Breast and ovarian cancer; Hereditary breast and ovarian cancer syndrome; Hereditary breast and/or ovarian cancer syndrome. Identifiers: Orphanet 145, MedGen C0677776, MeSH D061325, MONDO:0003582. Disease mechanism: loss of function.
Breast-ovarian cancer, familial, susceptibility to, 2 (BROVCA2). Also called: BRCA2 Hereditary Breast and Ovarian Cancer. Identifiers: Orphanet 145, MedGen C2675520, MONDO:0012933, OMIM 612555. Disease mechanism: loss of function.

Submissions (2):

Labcorp Genetics (formerly Invitae), Labcorp
Classification: Pathogenic for Hereditary breast ovarian cancer syndrome. Last evaluated: 2025-04-07. Review status: criteria provided, single submitter. Criteria: Invitae Variant Classification Sherloc (09022015). Collection method: clinical testing. Allele origin: germline.
Comment: This sequence change affects an acceptor splice site in intron 10 of the BRCA2 gene. It is expected to disrupt RNA splicing. Variants that disrupt the donor or acceptor splice site typically lead to a loss of protein function (PMID: 16199547), and loss-of-function variants in BRCA2 are known to be pathogenic (PMID: 20104584). This variant is not present in population databases (gnomAD no frequency). Disruption of this splice site has been observed in individual(s) with Fanconi anemia (internal data). In at least one individual the data is consistent with being in trans (on the opposite chromosome) from a pathogenic variant. ClinVar contains an entry for this variant (Variation ID: 487404). Algorithms developed to predict the effect of sequence changes on RNA splicing suggest that this variant may disrupt the consensus splice site. For these reasons, this variant has been classified as Pathogenic.

Counsyl
Classification: Likely pathogenic for Breast-ovarian cancer, familial, susceptibility to, 2. Last evaluated: 2015-02-11. Review status: no assertion criteria provided. Collection method: clinical testing. Allele origin: unknown. Not counted in ClinVar's aggregate classification.

Literature cited by the submitters: PubMed 16199547 (cited by Labcorp Genetics (formerly Invitae), Labcorp); PubMed 20104584 (cited by Labcorp Genetics (formerly Invitae), Labcorp).